The following is an entry in ClinVar:

ClinVar aggregate classification (germline): Uncertain significance. Review status: criteria provided, multiple submitters, no conflicts (2 of 4 stars). 2 submissions from 2 submitters: Uncertain significance (2). Last evaluated 2025-10-01.

Conditions:
Hereditary cancer-predisposing syndrome. Also called: Neoplastic Syndromes, Hereditary; Tumor predisposition; Hereditary Cancer Syndrome; Hereditary neoplastic syndrome. Identifiers: Orphanet 140162, MedGen C0027672, MeSH D009386, MONDO:0015356.
Retinoblastoma (RB1). Also called: RETINOBLASTOMA, SOMATIC. Identifiers: Orphanet 790, MedGen C0035335, MeSH D012175, MONDO:0008380, OMIM 180200, HP:0009919. Disease mechanism: loss of function. Inheritance: Both sporadic and heritable forms are tested..

Submissions (2):

Labcorp Genetics (formerly Invitae), Labcorp
Classification: Uncertain significance for Retinoblastoma. Last evaluated: 2025-10-01. Review status: criteria provided, single submitter. Criteria: Invitae Variant Classification Sherloc (09022015). Collection method: clinical testing. Allele origin: germline.
Comment: This sequence change replaces glutamic acid, which is acidic and polar, with lysine, which is basic and polar, at codon 125 of the RB1 protein (p.Glu125Lys). This variant is not present in population databases (gnomAD no frequency). This missense change has been observed in individual(s) with retinoblastoma (PMID: 28193182). In at least one individual the variant was observed to be de novo. This variant is also known as g.39554G>A. ClinVar contains an entry for this variant (Variation ID: 1734463). Invitae Evidence Modeling of protein sequence and biophysical properties (such as structural, functional, and spatial information, amino acid conservation, physicochemical variation, residue mobility, and thermodynamic stability) indicates that this missense variant is not expected to disrupt RB1 protein function with a negative predictive value of 80%. In summary, the available evidence is currently insufficient to determine the role of this variant in disease. Therefore, it has been classified as a Variant of Uncertain Significance.

Ambry Genetics
Classification: Uncertain significance for Hereditary cancer-predisposing syndrome. Last evaluated: 2021-06-24. Review status: criteria provided, single submitter. Criteria: Ambry Variant Classification Scheme 2023. Collection method: clinical testing. Allele origin: germline.
Comment: The p.E125K variant (also known as c.373G>A), located in coding exon 3 of the RB1 gene, results from a G to A substitution at nucleotide position 373. The glutamic acid at codon 125 is replaced by lysine, an amino acid with similar properties. This amino acid position is well conserved in available vertebrate species. In addition, this alteration is predicted to be tolerated by in silico analysis. Since supporting evidence is limited at this time, the clinical significance of this alteration remains unclear.

Literature cited by the submitters: PubMed 28193182 (cited by Labcorp Genetics (formerly Invitae), Labcorp).

NM_000321.3(RB1):c.373G>A (p.Glu125Lys)

Gene: RB1 (RB transcriptional corepressor 1; plus strand). Cytogenetic location: 13q14.2.
Variant type: single nucleotide variant.
Coding change: c.373G>A on transcript NM_000321.3 (MANE Select); coding-DNA position 373, G replaced by A.
Protein change: p.Glu125Lys; replaces glutamic acid 125 with lysine.
Molecular consequence: missense variant.
Genome position (GRCh38, 1-based): chr13:48,342,707, G>A. VCF-style: chr13-48342707-G-A. GRCh37 (hg19) VCF-style: chr13-48916843-G-A.
Other names: c.373G>A, p.Glu125Lys (NM_001407165.1, NM_001407166.1); short protein forms E125K.
Identifiers: ClinVar variation 1734463 (VCV001734463.4), dbSNP rs1952457111, ClinGen allele CA388252557.